The following is an entry in ClinVar:

ClinVar aggregate classification (germline): Likely pathogenic (1 of 4 stars; one submission).

Conditions:
Early-infantile DEE. Also called: Early infantile epileptic encephalopathy; Early infantile epileptic encephalopathy with suppression bursts; Ohtahara syndrome. Identifiers: Orphanet 1934, MedGen C0393706, MONDO:0800491.

Submission:

Labcorp Genetics (formerly Invitae), Labcorp
Classification: Likely pathogenic for Early-infantile DEE. Last evaluated: 2023-02-14. Review status: criteria provided, single submitter. Criteria: Invitae Variant Classification Sherloc (09022015). Collection method: clinical testing. Allele origin: germline.
Comment: Advanced modeling of protein sequence and biophysical properties (such as structural, functional, and spatial information, amino acid conservation, physicochemical variation, residue mobility, and thermodynamic stability) performed at Invitae indicates that this missense variant is expected to disrupt SCN1A protein function. This variant disrupts the p.Gly1655 amino acid residue in SCN1A. Other variant(s) that disrupt this residue have been determined to be pathogenic (Invitae). This suggests that this residue is clinically significant, and that variants that disrupt this residue are likely to be disease-causing. In summary, the currently available evidence indicates that the variant is pathogenic, but additional data are needed to prove that conclusively. Therefore, this variant has been classified as Likely Pathogenic. This sequence change replaces glycine, which is neutral and non-polar, with tryptophan, which is neutral and slightly polar, at codon 1655 of the SCN1A protein (p.Gly1655Trp). This variant has not been reported in the literature in individuals affected with SCN1A-related conditions. This variant is not present in population databases (gnomAD no frequency).

NM_001165963.4(SCN1A):c.4963G>T (p.Gly1655Trp)

Genes: SCN1A (sodium voltage-gated channel alpha subunit 1; minus strand), LOC102724058 (uncharacterized LOC102724058; plus strand). Cytogenetic location: 2q24.3.
Variant type: single nucleotide variant.
Coding change: c.4963G>T on transcript NM_001165963.4 (MANE Select); coding-DNA position 4963, G replaced by T.
Protein change: p.Gly1655Trp; replaces glycine 1655 with tryptophan.
Molecular consequence: missense variant. On other transcripts: non-coding transcript variant (1).
Genome position (GRCh38, 1-based): chr2:165,992,312, C>A on the plus strand (G>T on the coding strand, the complement: SCN1A is on the minus strand). VCF-style: chr2-165992312-C-A. GRCh37 (hg19) VCF-style: chr2-166848822-C-A.
Other names: c.4927G>T, p.Gly1643Trp (NM_001353954.2, NM_001353955.2); c.4879G>T, p.Gly1627Trp (NM_001353957.2, NM_001353958.2, NM_001165964.3); c.4876G>T, p.Gly1626Trp (NM_001353960.2); c.2521G>T, p.Gly841Trp (NM_001353961.2); c.4930G>T, p.Gly1644Trp (NM_006920.6, NM_001353949.2, NM_001353950.2 and 2 more transcripts); c.4963G>T, p.Gly1655Trp (NM_001202435.3, NM_001353948.2); short protein forms G1626W, G1627W, G1655W, G1643W, G1644W, G841W.
Identifiers: ClinVar variation 2837161 (VCV002837161.3), dbSNP rs1689350809, ClinGen allele CA349069982.